The following is an entry in ClinVar:

NM_005732.4(RAD50):c.2351G>A (p.Ser784Asn)

Gene: RAD50 (RAD50 double strand break repair protein; plus strand). Cytogenetic location: 5q31.1.
Variant type: single nucleotide variant.
Coding change: c.2351G>A on transcript NM_005732.4 (MANE Select); coding-DNA position 2351, G replaced by A.
Protein change: p.Ser784Asn; replaces serine 784 with asparagine.
Molecular consequence: missense variant.
Genome position (GRCh38, 1-based): chr5:132,603,443, G>A. VCF-style: chr5-132603443-G-A. GRCh37 (hg19) VCF-style: chr5-131939135-G-A.
Other names: short protein forms S784N.
Identifiers: ClinVar variation 1790020 (VCV001790020.2), dbSNP rs2149847010, ClinGen allele CA360954864.

ClinVar aggregate classification (germline): Uncertain significance (1 of 4 stars; one submission).

Conditions:
Hereditary cancer-predisposing syndrome. Also called: Hereditary Cancer Syndrome; Hereditary neoplastic syndrome; Tumor predisposition; Neoplastic Syndromes, Hereditary. Identifiers: Orphanet 140162, MedGen C0027672, MeSH D009386, MONDO:0015356.

Allele frequency attached by ClinVar (database versions not stated): gnomAD exomes below 0.00001.

Submission:

Ambry Genetics
Classification: Uncertain significance for Hereditary cancer-predisposing syndrome. Last evaluated: 2022-08-07. Review status: criteria provided, single submitter. Criteria: Ambry Variant Classification Scheme 2023. Collection method: clinical testing. Allele origin: germline.
Comment: The p.S784N variant (also known as c.2351G>A), located in coding exon 14 of the RAD50 gene, results from a G to A substitution at nucleotide position 2351. The serine at codon 784 is replaced by asparagine, an amino acid with highly similar properties. This amino acid position is conserved. In addition, this alteration is predicted to be tolerated by in silico analysis. Since supporting evidence is limited at this time, the clinical significance of this alteration remains unclear.